The following is an entry in ClinVar:

ClinVar aggregate classification (germline): Uncertain significance (1 of 4 stars; one submission).

Submission:

Labcorp Genetics (formerly Invitae), Labcorp
Classification: Uncertain significance. Last evaluated: 2024-02-19. Review status: criteria provided, single submitter. Criteria: Invitae Variant Classification Sherloc (09022015). Collection method: clinical testing. Allele origin: germline.
Comment: This sequence change replaces glutamic acid, which is acidic and polar, with glutamine, which is neutral and polar, at codon 143 of the RNF31 protein (p.Glu143Gln). This variant is not present in population databases (gnomAD no frequency). This variant has not been reported in the literature in individuals affected with RNF31-related conditions. Algorithms developed to predict the effect of missense changes on protein structure and function output the following: SIFT: "Not Available"; PolyPhen-2: "Benign"; Align-GVGD: "Not Available". The glutamine amino acid residue is found in multiple mammalian species, which suggests that this missense change does not adversely affect protein function. In summary, the available evidence is currently insufficient to determine the role of this variant in disease. Therefore, it has been classified as a Variant of Uncertain Significance.

NM_017999.5(RNF31):c.427G>C (p.Glu143Gln)

Gene: RNF31 (ring finger protein 31; plus strand). Cytogenetic location: 14q12.
Variant type: single nucleotide variant.
Coding change: c.427G>C on transcript NM_017999.5 (MANE Select); coding-DNA position 427, G replaced by C.
Protein change: p.Glu143Gln; replaces glutamic acid 143 with glutamine.
Molecular consequence: missense variant. On other transcripts: 5 prime UTR variant (1).
Genome position (GRCh38, 1-based): chr14:24,148,345, G>C. VCF-style: chr14-24148345-G-C. GRCh37 (hg19) VCF-style: chr14-24617554-G-C.
Other names: c.-91G>C (NM_001310332.2); short protein forms E143Q.
Identifiers: ClinVar variation 2815902 (VCV002815902.3), dbSNP rs754075180, ClinGen allele CA389287028.